The following is an entry in ClinVar:

ClinVar aggregate classification (germline): Conflicting classifications of pathogenicity. Review status: criteria provided, conflicting classifications (1 of 4 stars). 3 submissions from 3 submitters: Uncertain significance (2); Likely benign (1). Last evaluated 2021-04-09.

Conditions:
Peroxisome biogenesis disorder 2A (Zellweger) (PBD2A). Also called: Cerebrohepatorenal syndrome, variant types. Identifiers: Orphanet 912, MedGen C3550273, MONDO:0008954, OMIM 214110.

Allele frequency attached by ClinVar (database versions not stated): 1000 Genomes Project 30x 0.00187; 1000 Genomes Project 0.00200; TOPMed 0.00485; gnomAD 0.00516 and 0.00529; gnomAD exomes 0.00620.
gnomAD v4.1: 8,310 of 1,370,370 alleles (0.61%); highest among the groups gnomAD compares: Non-Finnish European, 0.77%; 34 homozygotes.

Submissions (3):

GeneDx
Classification: Likely benign. Last evaluated: 2021-04-09. Review status: criteria provided, single submitter. Criteria: GeneDx Variant Classification Process June 2021. Collection method: clinical testing. Allele origin: germline. Affected: yes.
Comment: See Variant Classification Assertion Criteria.

Illumina Laboratory Services, Illumina
Classification: Uncertain significance for Peroxisome biogenesis disorder 2A (Zellweger). Last evaluated: 2018-01-13. Review status: criteria provided, single submitter. Criteria: ICSL Variant Classification Criteria 13 December 2019. Collection method: clinical testing. Allele origin: germline.

Breakthrough Genomics
Classification: Uncertain significance. Review status: criteria provided, single submitter. Criteria: ACMG Guidelines, 2015. Collection method: not provided. Allele origin: germline. Inheritance: Autosomal recessive inheritance. Affected: yes.

NM_001351132.2(PEX5):c.*81A>C

Gene: PEX5 (peroxisomal biogenesis factor 5; plus strand). Cytogenetic location: 12p13.31.
Variant type: single nucleotide variant.
Coding change: c.*81A>C on transcript NM_001351132.2 (MANE Select); 81 bases downstream of the stop codon, A replaced by C.
Molecular consequence: 3 prime UTR variant. On other transcripts: intron variant (2).
Genome position (GRCh38, 1-based): chr12:7,210,304, A>C. VCF-style: chr12-7210304-A-C. GRCh37 (hg19) VCF-style: chr12-7362900-A-C.
Other names: c.*81A>C (NM_000319.5, NM_001131023.2, NM_001131024.2 and 20 more transcripts); c.*19+62A>C (NM_001131026.2, NM_001374646.1).
Identifiers: ClinVar variation 310438 (VCV000310438.6), dbSNP rs183460108, ClinGen allele CA10643328.